The following is an entry in ClinVar:

ClinVar aggregate classification (germline): Conflicting classifications of pathogenicity. Review status: criteria provided, conflicting classifications (1 of 4 stars). 2 submissions from 2 submitters: Uncertain significance (1); Likely benign (1). Last evaluated 2023-03-23.

Conditions:
Hereditary cancer-predisposing syndrome. Also called: Hereditary neoplastic syndrome; Hereditary Cancer Syndrome; Neoplastic Syndromes, Hereditary; Tumor predisposition. Identifiers: Orphanet 140162, MedGen C0027672, MeSH D009386, MONDO:0015356.

Submissions (2):

University of Washington Department of Laboratory Medicine, University of Washington
Classification: Likely benign for Hereditary cancer-predisposing syndrome. Last evaluated: 2023-03-23. Review status: criteria provided, single submitter. Criteria: Dines et al. (Genet Med. 2020). Collection method: curation. Allele origin: germline.
Comment: Missense variant in a coldspot region where missense variants are very unlikely to be pathogenic (PMID:31911673).

BRCA1 coldspot (exon 11 using historical exon numbering). Reclassification based on statistical prior probability

Ambry Genetics
Classification: Uncertain significance for Hereditary cancer-predisposing syndrome. Last evaluated: 2015-09-16. Review status: criteria provided, single submitter. Criteria: Ambry Variant Classification Scheme 2023. Collection method: clinical testing. Allele origin: germline.
Comment: The p.S1292Y variant (also known as c.3875C>A), located in coding exon 9 of the BRCA1 gene, results from a C to A substitution at nucleotide position 3875. The serine at codon 1292 is replaced by tyrosine, an amino acid with dissimilar properties. This variant was not reported in population based cohorts in the following databases: Database of Single Nucleotide Polymorphisms (dbSNP), NHLBI Exome Sequencing Project (ESP), and 1000 Genomes Project. In the ESP, this variant was not observed in 6503 samples (13006 alleles) with coverage at this position. To date, this alteration has been detected with an allele frequency of approximately 0.001% (greater than 150000 alleles tested) in our clinical cohort. This amino acid position is highly conserved in available vertebrate species. In addition, this alteration is predicted to be deleterious by in silico analysis. Since supporting evidence is limited at this time, the clinical significance of p.S1292Y remains unclear.

NM_007294.4(BRCA1):c.3875C>A (p.Ser1292Tyr)

Genes: BRCA1 (BRCA1 DNA repair associated; minus strand), LOC126862571 (BRD4-independent group 4 enhancer GRCh37_chr17:41243136-41244335; plus strand). Cytogenetic location: 17q21.31.
Variant type: single nucleotide variant.
Coding change: c.3875C>A on transcript NM_007294.4 (MANE Select); coding-DNA position 3875, C replaced by A.
Protein change: p.Ser1292Tyr; replaces serine 1292 with tyrosine.
Molecular consequence: missense variant. On other transcripts: intron variant (135).
Genome position (GRCh38, 1-based): chr17:43,091,656, G>T on the plus strand (C>A on the coding strand, the complement: BRCA1 is on the minus strand). VCF-style: chr17-43091656-G-T. GRCh37 (hg19) VCF-style: chr17-41243673-G-T.
Other names: c.3875C>A, p.Ser1292Tyr (NM_001407602.1, NM_001407603.1, NM_001407605.1 and 30 more transcripts); c.3872C>A, p.Ser1291Tyr (NM_001407610.1, NM_001407611.1, NM_001407612.1 and 22 more transcripts); c.3866C>A, p.Ser1289Tyr (NM_001407646.1, NM_001407647.1); c.3752C>A, p.Ser1251Tyr (NM_001407648.1, NM_001407664.1, NM_001407665.1 and 19 more transcripts); c.3749C>A, p.Ser1250Tyr (NM_001407649.1, NM_001407670.1, NM_001407671.1 and 11 more transcripts); c.3797C>A, p.Ser1266Tyr (NM_001407653.1, NM_001407654.1, NM_001407655.1 and 4 more transcripts); c.3794C>A, p.Ser1265Tyr (NM_001407659.1, NM_001407660.1, NM_001407661.1 and 1 more transcripts); c.3734C>A, p.Ser1245Tyr (NM_001407692.1, NM_001407694.1, NM_001407695.1 and 29 more transcripts); and 41 more; short protein forms S1292Y, S1245Y, S1124Y, S1181Y, S1203Y, S1225Y, S1250Y, S1266Y.
Identifiers: ClinVar variation 230029 (VCV000230029.8), dbSNP rs876658340, ClinGen allele CA10580546.